The following is an entry in ClinVar:

ClinVar aggregate classification (germline): Uncertain significance (1 of 4 stars; one submission).

Conditions:
Multiple congenital anomalies-hypotonia-seizures syndrome 1 (MCAHS1). Also called: GLYCOSYLPHOSPHATIDYLINOSITOL BIOSYNTHESIS DEFECT 3; PIGN-CDG; Congenital disorder of glycosylation due to PIGN deficiency. Identifiers: Orphanet 280633, MedGen C3279775, MONDO:0013563, OMIM 614080.

Allele frequency attached by ClinVar (database versions not stated): gnomAD exomes below 0.00001; TOPMed below 0.00001.
gnomAD v4.1: 1 of 1,524,342 alleles (0.000066%); highest among the groups gnomAD compares: African/African-American, 0.0014%; no homozygotes.

Submission:

Labcorp Genetics (formerly Invitae), Labcorp
Classification: Uncertain significance for Multiple congenital anomalies-hypotonia-seizures syndrome 1. Last evaluated: 2023-11-28. Review status: criteria provided, single submitter. Criteria: Invitae Variant Classification Sherloc (09022015). Collection method: clinical testing. Allele origin: germline.
Comment: This sequence change replaces arginine, which is basic and polar, with threonine, which is neutral and polar, at codon 406 of the PIGN protein (p.Arg406Thr). This variant is present in population databases (no rsID available, gnomAD 0.007%). This variant has not been reported in the literature in individuals affected with PIGN-related conditions. ClinVar contains an entry for this variant (Variation ID: 1432097). Advanced modeling of protein sequence and biophysical properties (such as structural, functional, and spatial information, amino acid conservation, physicochemical variation, residue mobility, and thermodynamic stability) performed at Invitae indicates that this missense variant is not expected to disrupt PIGN protein function with a negative predictive value of 80%. In summary, the available evidence is currently insufficient to determine the role of this variant in disease. Therefore, it has been classified as a Variant of Uncertain Significance.

NM_176787.5(PIGN):c.1217G>C (p.Arg406Thr)

Gene: PIGN (phosphatidylinositol glycan anchor biosynthesis class N; minus strand). Cytogenetic location: 18q21.33.
Variant type: single nucleotide variant.
Coding change: c.1217G>C on transcript NM_176787.5 (MANE Select); coding-DNA position 1217, G replaced by C.
Protein change: p.Arg406Thr; replaces arginine 406 with threonine.
Molecular consequence: missense variant.
Genome position (GRCh38, 1-based): chr18:62,114,595, C>G on the plus strand (G>C on the coding strand, the complement: PIGN is on the minus strand). VCF-style: chr18-62114595-C-G. GRCh37 (hg19) VCF-style: chr18-59781828-C-G.
Other names: c.1217G>C, p.Arg406Thr (NM_012327.6); short protein forms R406T.
Identifiers: ClinVar variation 1432097 (VCV001432097.8), dbSNP rs1444744679, ClinGen allele CA402606138.